The following is an entry in ClinVar:

NM_182919.4(TICAM1):c.479C>T (p.Ser160Phe)

Gene: TICAM1 (TIR domain containing adaptor molecule 1; minus strand). Cytogenetic location: 19p13.3.
Variant type: single nucleotide variant.
Coding change: c.479C>T on transcript NM_182919.4 (MANE Select); coding-DNA position 479, C replaced by T.
Protein change: p.Ser160Phe; replaces serine 160 with phenylalanine.
Molecular consequence: missense variant. On other transcripts: intron variant (1).
Genome position (GRCh38, 1-based): chr19:4,817,899, G>A on the plus strand (C>T on the coding strand, the complement: TICAM1 is on the minus strand). VCF-style: chr19-4817899-G-A. GRCh37 (hg19) VCF-style: chr19-4817911-G-A.
Other names: c.437C>T, p.Ser146Phe (NM_001385678.1); c.344C>T, p.Ser115Phe (NM_001385679.1); c.-71-93C>T (NM_001385680.1); short protein forms S160F, S115F, S146F.
Identifiers: ClinVar variation 473295 (VCV000473295.35), dbSNP rs145148929, ClinGen allele CA9105344.

ClinVar aggregate classification (germline): Likely benign. Review status: criteria provided, multiple submitters, no conflicts (2 of 4 stars). 3 submissions from 3 submitters: Likely benign (3). Last evaluated 2026-04-01.

Conditions:
Encephalopathy, acute, infection-induced (herpes-specific), susceptibility to, 6. Also called: Herpes simplex encephalitis, susceptibility to, 4. Identifiers: Orphanet 1930, MedGen C3553869, MONDO:0013921, OMIM 614850.

Allele frequency attached by ClinVar (database versions not stated): 1000 Genomes Project 0.00100; gnomAD 0.00218 and 0.00235; gnomAD exomes 0.00219 and 0.00264; 1000 Genomes Project 30x 0.00094; ESP Exome Variant Server 0.00238; TOPMed 0.00210; ExAC 0.00243.

Submissions (3):

CeGaT Center for Human Genetics Tuebingen
Classification: Likely benign. Last evaluated: 2026-04-01. Review status: criteria provided, single submitter. Criteria: CeGaT Center For Human Genetics Tuebingen Variant Classification Criteria Version 2. Collection method: clinical testing. Allele origin: germline. Affected: yes. Observed: 4 variant alleles.
Comment: TICAM1: BP4

Labcorp Genetics (formerly Invitae), Labcorp
Classification: Likely benign for Encephalopathy, acute, infection-induced (herpes-specific), susceptibility to, 6. Last evaluated: 2026-02-01. Review status: criteria provided, single submitter. Criteria: Invitae Variant Classification Sherloc (09022015). Collection method: clinical testing. Allele origin: germline.

Blueprint Genetics
Classification: Likely benign. Last evaluated: 2024-11-28. Review status: criteria provided, single submitter. Criteria: ACMG Guidelines, 2015. Collection method: clinical testing. Allele origin: germline.